The following is an entry in ClinVar:

ClinVar aggregate classification (germline): Uncertain significance. Review status: criteria provided, multiple submitters, no conflicts (2 of 4 stars). 2 submissions from 2 submitters: Uncertain significance (2). Last evaluated 2024-03-20.

Submissions (2):

GeneDx
Classification: Uncertain significance. Last evaluated: 2024-03-20. Review status: criteria provided, single submitter. Criteria: GeneDx Variant Classification Process June 2021. Collection method: clinical testing. Allele origin: germline. Affected: yes.
Comment: Not observed at significant frequency in large population cohorts (gnomAD); In silico analysis supports that this missense variant has a deleterious effect on protein structure/function; Has not been previously published as pathogenic or benign to our knowledge; This variant is associated with the following publications: (PMID: 26125038, 21820098, 21376300)

Blueprint Genetics
Classification: Uncertain significance. Last evaluated: 2023-07-25. Review status: criteria provided, single submitter. Criteria: ACMG Guidelines, 2015. Collection method: clinical testing. Allele origin: germline.

NM_001244008.2(KIF1A):c.320T>C (p.Met107Thr)

Gene: KIF1A (kinesin family member 1A; minus strand). Cytogenetic location: 2q37.3.
Variant type: single nucleotide variant.
Coding change: c.320T>C on transcript NM_001244008.2 (MANE Select); coding-DNA position 320, T replaced by C.
Protein change: p.Met107Thr; replaces methionine 107 with threonine.
Molecular consequence: missense variant.
Genome position (GRCh38, 1-based): chr2:240,788,094, A>G on the plus strand (T>C on the coding strand, the complement: KIF1A is on the minus strand). VCF-style: chr2-240788094-A-G. GRCh37 (hg19) VCF-style: chr2-241727511-A-G.
Other names: c.320T>C, p.Met107Thr (NM_001320705.2, NM_001330289.2, NM_001330290.2 and 20 more transcripts); short protein forms M107T.
Identifiers: ClinVar variation 3371262 (VCV003371262.2).